The following is an entry in ClinVar:

NM_012154.5(AGO2):c.1918C>A (p.Gln640Lys)

Gene: AGO2 (argonaute RISC catalytic component 2; minus strand). Cytogenetic location: 8q24.3.
Variant type: single nucleotide variant.
Coding change: c.1918C>A on transcript NM_012154.5 (MANE Select); coding-DNA position 1918, C replaced by A.
Protein change: p.Gln640Lys; replaces glutamine 640 with lysine.
Molecular consequence: missense variant.
Genome position (GRCh38, 1-based): chr8:140,541,280, G>T on the plus strand (C>A on the coding strand, the complement: AGO2 is on the minus strand). VCF-style: chr8-140541280-G-T. GRCh37 (hg19) VCF-style: chr8-141551379-G-T.
Other names: c.1918C>A, p.Gln640Lys (NM_001164623.3); short protein forms Q640K.
Identifiers: ClinVar variation 2430965 (VCV002430965.2), dbSNP rs2540691084, ClinGen allele CA372333264.
Genomic context (GRCh38, chr8:140,541,280, plus strand): 5'-TGAAGCGCGTGGACTTGTAGAACTGGATGAGGAGCTCGCGGACCATGGCGGCCAGGTCTT[G>T]TATGATCTCCTGCCGGTGCTGCTGCACGCGCACGGTGGCGCAGTAGCGATTGGGGTGGGC-3'
Protein context (NP_036286.2, residues 630-650): RVQQHRQEII[Gln640Lys]DLAAMVRELL

ClinVar aggregate classification (germline): Conflicting classifications of pathogenicity. Review status: criteria provided, conflicting classifications (1 of 4 stars). 2 submissions from 2 submitters: Uncertain significance (1); Likely benign (1). Last evaluated 2024-09-20.

Conditions:
Lessel-Kreienkamp syndrome. Identifiers: MedGen C5436892, MONDO:0030897, OMIM 619149.

Submissions (2):

3billion
Classification: Likely benign for Lessel-Kreienkamp syndrome. Last evaluated: 2024-09-20. Review status: criteria provided, single submitter. Criteria: ACMG Guidelines, 2015. Collection method: clinical testing. Allele origin: germline. Affected: no.
Comment: The variant was identified in at least one patient who was diagnosed with a different variant in another gene and showed no symptoms related to the gene containing the variant in question.

GeneDx
Classification: Uncertain significance. Last evaluated: 2022-08-25. Review status: criteria provided, single submitter. Criteria: GeneDx Variant Classification Process June 2021. Collection method: clinical testing. Allele origin: germline. Affected: yes.
Comment: Not observed at significant frequency in large population cohorts (gnomAD); In silico analysis supports that this missense variant does not alter protein structure/function; Has not been previously published as pathogenic or benign to our knowledge